The following is an entry in ClinVar:

NM_152383.5(DIS3L2):c.2058C>G (p.Phe686Leu)

Gene: DIS3L2 (DIS3 like 3'-5' exoribonuclease 2; plus strand). Cytogenetic location: 2q37.1.
Variant type: single nucleotide variant.
Coding change: c.2058C>G on transcript NM_152383.5 (MANE Select); coding-DNA position 2058, C replaced by G.
Protein change: p.Phe686Leu; replaces phenylalanine 686 with leucine.
Molecular consequence: missense variant. On other transcripts: non-coding transcript variant (2), intron variant (1).
Genome position (GRCh38, 1-based): chr2:232,333,887, C>G. VCF-style: chr2-232333887-C-G. GRCh37 (hg19) VCF-style: chr2-233198597-C-G.
Other names: c.1582-9458C>G (NM_001257281.2); short protein forms F686L.
Identifiers: ClinVar variation 1060190 (VCV001060190.9), dbSNP rs1418053471, ClinGen allele CA350977391.

ClinVar aggregate classification (germline): Uncertain significance (1 of 4 stars; one submission).

Conditions:
Perlman syndrome (PRLMNS). Identifiers: Orphanet 2849, MedGen C0796113, MONDO:0009965, OMIM 267000.

Allele frequency attached by ClinVar (database versions not stated): gnomAD exomes below 0.00001; gnomAD 0.00002.
gnomAD v4.1: 11 of 1,612,780 alleles (0.00068%); highest among the groups gnomAD compares: Non-Finnish European, 0.00085%; no homozygotes.

Submission:

Labcorp Genetics (formerly Invitae), Labcorp
Classification: Uncertain significance for Perlman syndrome. Last evaluated: 2025-06-09. Review status: criteria provided, single submitter. Criteria: Invitae Variant Classification Sherloc (09022015). Collection method: clinical testing. Allele origin: germline.
Comment: This sequence change replaces phenylalanine, which is neutral and non-polar, with leucine, which is neutral and non-polar, at codon 686 of the DIS3L2 protein (p.Phe686Leu). This variant is present in population databases (no rsID available, gnomAD 0.01%). This variant has not been reported in the literature in individuals affected with DIS3L2-related conditions. ClinVar contains an entry for this variant (Variation ID: 1060190). Invitae Evidence Modeling of protein sequence and biophysical properties (such as structural, functional, and spatial information, amino acid conservation, physicochemical variation, residue mobility, and thermodynamic stability) indicates that this missense variant is not expected to disrupt DIS3L2 protein function with a negative predictive value of 80%. In summary, the available evidence is currently insufficient to determine the role of this variant in disease. Therefore, it has been classified as a Variant of Uncertain Significance.